The following is an entry in ClinVar:

ClinVar aggregate classification (germline): Uncertain significance (1 of 4 stars; one submission).

Conditions:
Angelman syndrome (AS). Also called: HAPPY PUPPET SYNDROME. Identifiers: Orphanet 72, MedGen C0162635, MONDO:0007113, OMIM 105830. Disease mechanism: loss of function. Inheritance: AS is caused by disruption of maternally imprinted UBE3A located within the 15q11.2-q13 Angelman syndrome/Prader-Willi syndrome (AS/PWS) region., imprinting disorder.

Submission:

Labcorp Genetics (formerly Invitae), Labcorp
Classification: Uncertain significance for Angelman syndrome. Last evaluated: 2020-08-06. Review status: criteria provided, single submitter. Criteria: Invitae Variant Classification Sherloc (09022015). Collection method: clinical testing. Allele origin: germline.
Comment: This sequence change falls in intron 9 of the UBE3A gene. It does not directly change the encoded amino acid sequence of the UBE3A protein, but it affects a nucleotide within the consensus splice site of the intron. This variant is not present in population databases (ExAC no frequency). In summary, the available evidence is currently insufficient to determine the role of this variant in disease. Therefore, it has been classified as a Variant of Uncertain Significance. Nucleotide substitutions within the consensus splice site are a relatively common cause of aberrant splicing (PMID: 17576681, 9536098). Algorithms developed to predict the effect of sequence changes on RNA splicing suggest that this variant may disrupt the consensus splice site, but this prediction has not been confirmed by published transcriptional studies. This variant has not been reported in the literature in individuals with UBE3A-related conditions.

Literature cited by the submitters: PubMed 17576681; PubMed 9536098.

NM_130839.5(UBE3A):c.2498+3A>G

Genes: SNHG14 (small nucleolar RNA host gene 14; plus strand), UBE3A (ubiquitin protein ligase E3A; minus strand). Cytogenetic location: 15q11.2.
Variant type: single nucleotide variant.
Coding change: c.2498+3A>G on transcript NM_130839.5 (MANE Select); 3 bases into the intron after coding-DNA position 2498, A replaced by G.
Molecular consequence: intron variant.
Genome position (GRCh38, 1-based): chr15:25,340,082, T>C on the plus strand (A>G on the coding strand, the complement: UBE3A is on the minus strand). VCF-style: chr15-25340082-T-C. GRCh37 (hg19) VCF-style: chr15-25585229-T-C.
Other names: c.2321+3A>G (NM_001354546.2); c.1187+3A>G (NM_001354551.2); c.2273+3A>G (NM_001354549.2); c.2282+3A>G (NM_001354548.2, NM_001354547.2); c.2438+3A>G (NM_130838.4, NM_001354542.2, NM_001354523.2 and 14 more transcripts); c.1247+3A>G (NM_001354550.2); c.2342+3A>G (NM_001354545.2); c.2498+3A>G (NM_001354538.2, NM_001354505.1); and 1 more.
Identifiers: ClinVar variation 1018622 (VCV001018622.6), dbSNP rs2074491163, ClinGen allele CA2165187340.